The following is an entry in ClinVar:

NM_198129.4(LAMA3):c.6201+1G>C

Gene: LAMA3 (laminin subunit alpha 3; plus strand). Cytogenetic location: 18q11.2.
Variant type: single nucleotide variant.
Coding change: c.6201+1G>C on transcript NM_198129.4 (MANE Select); the canonical splice donor site of the intron after coding-DNA position 6201, G replaced by C.
Molecular consequence: splice donor variant.
Genome position (GRCh38, 1-based): chr18:23,901,324, G>C. VCF-style: chr18-23901324-G-C. GRCh37 (hg19) VCF-style: chr18-21481288-G-C.
Other names: c.6033+1G>C (NM_001127717.4); c.1374+1G>C (NM_000227.6); c.1206+1G>C (NM_001127718.4).
Identifiers: ClinVar variation 2803231 (VCV002803231.3), dbSNP rs750388638, ClinGen allele CA402048481.

ClinVar aggregate classification (germline): Likely pathogenic (1 of 4 stars; one submission).

Submission:

Labcorp Genetics (formerly Invitae), Labcorp
Classification: Likely pathogenic. Last evaluated: 2023-06-14. Review status: criteria provided, single submitter. Criteria: Invitae Variant Classification Sherloc (09022015). Collection method: clinical testing. Allele origin: germline.
Comment: In summary, the currently available evidence indicates that the variant is pathogenic, but additional data are needed to prove that conclusively. Therefore, this variant has been classified as Likely Pathogenic. Algorithms developed to predict the effect of sequence changes on RNA splicing suggest that this variant may disrupt the consensus splice site. This variant has not been reported in the literature in individuals affected with LAMA3-related conditions. This variant is not present in population databases (gnomAD no frequency). This sequence change affects a donor splice site in intron 11 of the LAMA3 gene. It is expected to disrupt RNA splicing. Variants that disrupt the donor or acceptor splice site typically lead to a loss of protein function (PMID: 16199547), and loss-of-function variants in LAMA3 are known to be pathogenic (PMID: 10366601, 11810295, 12915477, 16473856, 17362460, 22434185, 23869449, 27827380, 28087116).

Literature cited by the submitters: PubMed 16199547; PubMed 10366601; PubMed 11810295; PubMed 12915477; PubMed 16473856; PubMed 17362460; PubMed 22434185; PubMed 23869449; PubMed 27827380; PubMed 28087116.